The following is an entry in ClinVar:

NM_006796.3(AFG3L2):c.2167G>A (p.Val723Met)

Gene: AFG3L2 (AFG3 like matrix AAA peptidase subunit 2; minus strand). Cytogenetic location: 18p11.21.
Variant type: single nucleotide variant.
Coding change: c.2167G>A on transcript NM_006796.3 (MANE Select); coding-DNA position 2167, G replaced by A.
Protein change: p.Val723Met; replaces valine 723 with methionine.
Molecular consequence: missense variant.
Genome position (GRCh38, 1-based): chr18:12,337,349, C>T on the plus strand (G>A on the coding strand, the complement: AFG3L2 is on the minus strand). VCF-style: chr18-12337349-C-T. GRCh37 (hg19) VCF-style: chr18-12337348-C-T.
Other names: p.V723M:GTG>ATG; short protein forms V723M.
Identifiers: ClinVar variation 214062 (VCV000214062.40), dbSNP rs139469785, ClinGen allele CA319947.

ClinVar aggregate classification (germline): Conflicting classifications of pathogenicity. Review status: criteria provided, conflicting classifications (1 of 4 stars). 12 submissions from 12 submitters: Pathogenic (3); Likely pathogenic (3); Uncertain significance (5). 1 of the submissions does not count toward it. Last evaluated 2026-08-06.

Conditions:
Optic atrophy 12. Also called: Optic Atrophy Type 12 (OPA12). Identifiers: MedGen C5436534, MONDO:0033549, OMIM 618977.
AFG3L2-related disorder. Also called: AFG3L2-related condition.
Spinocerebellar ataxia type 28 (SCA28). Also called: Spinocerebellar Ataxia Type 28 (SCA28). Identifiers: Orphanet 101109, MedGen C1853249, MONDO:0012450, OMIM 610246.
Spastic ataxia 5. Also called: Spastic Ataxia Type 5 (SPAX5). Identifiers: Orphanet 313772, MedGen C3280977, MONDO:0013776, OMIM 614487.
Inborn genetic diseases. Identifiers: MedGen C0950123, MeSH D030342.

Allele frequency attached by ClinVar (database versions not stated): gnomAD exomes 0.00017; ExAC 0.00019; gnomAD 0.00022 and 0.00024; TOPMed 0.00029; ESP Exome Variant Server 0.00046.

Submissions (12):

OLLIN Analises Genomicas, OLLIN
Classification: Pathogenic for Optic atrophy 12. Last evaluated: 2026-08-06. Review status: criteria provided, single submitter. Criteria: ACMG Guidelines 2015 PMID 25741868. Collection method: clinical testing. Allele origin: germline. Inheritance: Autosomal dominant inheritance.
Comment: This missense variant, located in exon 16 (of 17), has been reported in ClinVar (accession VCV001328909.2) and in gnomAD with an allele frequency of 0.018%. However, to our knowledge, it has not been reported in the scientific literature. In silico analysis is inconclusive regarding the impact of this variant; however, functional studies suggest that it may affect protein function. This gene is constrained for missense variation. According to the currently available evidence, this variant has been classified as pathogenic (PS3_P, PM2_P, PM3_VS, PP1, PP2).

Labcorp Genetics (formerly Invitae), Labcorp
Classification: Pathogenic. Last evaluated: 2025-08-06. Review status: criteria provided, single submitter. Criteria: Invitae Variant Classification Sherloc (09022015). Collection method: clinical testing. Allele origin: germline.
Comment: This sequence change replaces valine, which is neutral and non-polar, with methionine, which is neutral and non-polar, at codon 723 of the AFG3L2 protein (p.Val723Met). This variant is present in population databases (rs139469785, gnomAD 0.02%). This missense change has been observed in individual(s) with autosomal recessive spinocerebellar ataxia (PMID: 31111429, 34333379, 34418069, 34445196). In at least one individual the data is consistent with being in trans (on the opposite chromosome) from a pathogenic variant. ClinVar contains an entry for this variant (Variation ID: 214062). Invitae Evidence Modeling of protein sequence and biophysical properties (such as structural, functional, and spatial information, amino acid conservation, physicochemical variation, residue mobility, and thermodynamic stability) has been performed for this missense variant. However, the output from this modeling did not meet the statistical confidence thresholds required to predict the impact of this variant on AFG3L2 protein function. For these reasons, this variant has been classified as Pathogenic.

Athena Diagnostics
Classification: Likely pathogenic. Last evaluated: 2025-01-27. Review status: criteria provided, single submitter. Criteria: Athena Diagnostics Criteria. Collection method: clinical testing. Allele origin: unknown.
Comment: The frequency of this variant in the general population is consistent with pathogenicity. This variant has been identified in multiple unrelated individuals with autosomal recessive spastic ataxia. Polyphen and MutationTaster predict this amino acid change may be damaging to the protein. The variant is located in a region that is considered important for protein function and/or structure.

Women's Health and Genetics/Laboratory Corporation of America, LabCorp
Classification: Likely pathogenic for Spastic ataxia 5. Last evaluated: 2024-12-24. Review status: criteria provided, single submitter. Criteria: LabCorp Variant Classification Summary - May 2015. Collection method: clinical testing. Allele origin: germline.
Comment: Variant summary: AFG3L2 c.2167G>A (p.Val723Met) results in a conservative amino acid change located in the Peptidase M41 domain (IPR000642) of the encoded protein sequence. Four of five in-silico tools predict a damaging effect of the variant on protein function. The variant allele was found at a frequency of 0.00017 in 251448 control chromosomes (gnomAD). This frequency is not higher than the maximum estimated for a pathogenic variant in AFG3L2 causing Spastic Ataxia 5, Autosomal Recessive, allowing no conclusion about variant significance. The variant, c.2167G>A, has been reported in the literature in multiple compound heterozygous individuals affected with spastic ataxia and spinocerebellar ataxia (e.g. Tunc_2019, Chiang_2021, Sainio_2021); and in at least one family segregation with the disease phenotype was reported. The variant was also reported in heterozygous state in individual(s) affected with optic neuropathy (Charif_2021), however no supportive evidence was provided for causality. At least one publication reported experimental evidence, and demonstrated mitochondrial alterations fibroblasts derived from a compound heterozygous patient (Tunc_2019). The following publications have been ascertained in the context of this evaluation (PMID: 31111429, 33841295, 34333379, 34418069). ClinVar contains an entry for this variant (Variation ID: 214062). While this variant has been reported in the literature, the clinical significance of the variant for Optic Atrophy 12 could not be established. Based on the evidence outlined above, this variant is likely pathogenic for Spastic Ataxia 5, Autosomal Recessive.

CeGaT Center for Human Genetics Tuebingen
Classification: Uncertain significance. Last evaluated: 2024-11-01. Review status: criteria provided, single submitter. Criteria: CeGaT Center For Human Genetics Tuebingen Variant Classification Criteria Version 2. Collection method: clinical testing. Allele origin: germline. Affected: yes. Observed: 1 variant allele.

Blueprint Genetics
Classification: Likely pathogenic for AFG3L2-related disorders. Last evaluated: 2024-01-29. Review status: criteria provided, single submitter. Criteria: ACMG Guidelines, 2015. Collection method: clinical testing. Allele origin: germline. Affected: yes. Observed: 5 variant alleles.

GeneDx
Classification: Uncertain significance. Last evaluated: 2021-06-15. Review status: criteria provided, single submitter. Criteria: GeneDx Variant Classification Process June 2021. Collection method: clinical testing. Allele origin: germline. Affected: yes.
Comment: Identified with a likely pathogenic variant on the opposite allele (in trans) in a patient with spinocerebellar ataxia 28 in published literature; however, paternal testing was not completed (Tunc et al., 2019); In silico analysis, which includes protein predictors and evolutionary conservation, supports a deleterious effect; This variant is associated with the following publications: (PMID: 31111429, 30773800, 32237276, 27535533, 33564152, 33841295, 31589614)

Ambry Genetics
Classification: Uncertain significance for Inborn genetic diseases. Last evaluated: 2021-02-22. Review status: criteria provided, single submitter. Criteria: Ambry Variant Classification Scheme 2023. Collection method: clinical testing. Allele origin: germline.
Comment: The c.2167G>A (p.V723M) alteration is located in exon 16 (coding exon 16) of the AFG3L2 gene. This alteration results from a G to A substitution at nucleotide position 2167, causing the valine (V) at amino acid position 723 to be replaced by a methionine (M). The p.V723M alteration is predicted to be tolerated by in silico analysis. Based on insufficient or conflicting evidence, the clinical significance of this alteration remains unclear.

Molecular Medicine for Neurodegenerative and Neuromuscular Diseases Unit, IRCCS Fondazione Stella Maris
Classification: Pathogenic for Spastic ataxia 5. Last evaluated: 2021-01-04. Review status: criteria provided, single submitter. Criteria: ACMG Guidelines, 2015. Collection method: research. Allele origin: inherited. Affected: yes.

Illumina Laboratory Services, Illumina
Classification: Uncertain significance for Spinocerebellar ataxia type 28. Last evaluated: 2018-01-15. Review status: criteria provided, single submitter. Criteria: ICSL Variant Classification Criteria 13 December 2019. Collection method: clinical testing. Allele origin: germline.

Center for Genomics, Ann and Robert H. Lurie Children's Hospital of Chicago
Classification: Uncertain significance for Spastic ataxia 5; Optic atrophy 12; Spinocerebellar ataxia type 28. Review status: criteria provided, single submitter. Criteria: ACMG Guidelines, 2015. Collection method: clinical testing. Allele origin: germline.
Comment: AFG3L2 NM_006796.2 exon 16 p.Val723Met (c.2167G>A): This variant has not been reported in the literature and is present in 0.02% (32/129162) of European alleles in the Genome Aggregation Database. This variant is present in ClinVar (Variation ID:214062). Evolutionary conservation and computational predictive tools suggest that this variant may impact the protein. In summary, data on this variant is insufficient for disease classification. Therefore, the clinical significance of this variant is uncertain.

Sadaf Naz Human Genetics Laboratory, University of the Punjab
Classification: Pathogenic for Spastic ataxia 5. Last evaluated: 2019-04-30. Review status: no assertion criteria provided. Collection method: research. Allele origin: germline. Inheritance: Autosomal recessive inheritance. Affected: yes. Observed: 1 homozygote. Not counted in ClinVar's aggregate classification.
Comment: The variants affects an amino acid that was fully conserved in vertebrates. The frequency of variant in gnomAD is extremely low and absent in the 600 chromosomes of an ethnically matched population. This variant had been previously reported in a patient with progressive cerebellar ataxia, bilateral ptosis and dysarthria, in trans with another pathogenic variant of AFG3L2 (Sinem Tunc, 2019). In summary, the variant Val723Met is classified as pathogenic based on our segregation analysis, conservation in vertebrates and absence in ethnically matched control population.

Literature cited by the submitters: PubMed 31111429 (cited by 4 submitters); PubMed 34333379 (cited by 3 submitters); PubMed 34418069 (cited by 3 submitters); PubMed 34445196 (cited by Labcorp Genetics (formerly Invitae), Labcorp and Athena Diagnostics); PubMed 31589614 (cited by Athena Diagnostics); PubMed 33841295 (cited by Athena Diagnostics and Women's Health and Genetics/Laboratory Corporation of America, LabCorp); PubMed 35869996 (cited by Athena Diagnostics); PubMed 37332640 (cited by Athena Diagnostics); PubMed 32237276 (cited by Athena Diagnostics).